The following is an entry in ClinVar:

ClinVar aggregate classification (germline): Uncertain significance (1 of 4 stars; one submission).

Conditions:
Hereditary cancer-predisposing syndrome. Also called: Hereditary neoplastic syndrome; Hereditary Cancer Syndrome; Neoplastic Syndromes, Hereditary; Tumor predisposition. Identifiers: Orphanet 140162, MedGen C0027672, MeSH D009386, MONDO:0015356.

Submission:

Ambry Genetics
Classification: Uncertain significance for Hereditary cancer-predisposing syndrome. Last evaluated: 2023-05-14. Review status: criteria provided, single submitter. Criteria: Ambry Variant Classification Scheme 2023. Collection method: clinical testing. Allele origin: germline.
Comment: The p.E974D variant (also known as c.2922A>C), located in coding exon 18 of the ALK gene, results from an A to C substitution at nucleotide position 2922. The glutamic acid at codon 974 is replaced by aspartic acid, an amino acid with highly similar properties. This amino acid position is conserved. In addition, the in silico prediction for this alteration is inconclusive. Since supporting evidence is limited at this time, the clinical significance of this alteration remains unclear.

NM_004304.5(ALK):c.2922A>C (p.Glu974Asp)

Gene: ALK (ALK receptor tyrosine kinase; minus strand). Cytogenetic location: 2p23.2.
Variant type: single nucleotide variant.
Coding change: c.2922A>C on transcript NM_004304.5 (MANE Select); coding-DNA position 2922, A replaced by C.
Protein change: p.Glu974Asp; replaces glutamic acid 974 with aspartic acid.
Molecular consequence: missense variant.
Genome position (GRCh38, 1-based): chr2:29,227,067, T>G on the plus strand (A>C on the coding strand, the complement: ALK is on the minus strand). VCF-style: chr2-29227067-T-G. GRCh37 (hg19) VCF-style: chr2-29449933-T-G.
Other names: short protein forms E974D.
Identifiers: ClinVar variation 2566595 (VCV002566595.2), dbSNP rs2148178721, ClinGen allele CA346468125.
Genomic context (GRCh38, chr2:29,227,067, plus strand): 5'-TTCGTCTACCTCACAGTGACTGCAGTTTAGATAATGCTTAATATTCACTTCCCCGTGGCC[T>G]TCCATCACTAGTGACAAGGAGGGAGGGTCAGTCTTGGGCCGAGCCTGCCTCCCCACTCCC-3'
Protein context (NP_004295.2, residues 964-984): ILYTPALKVM[Glu974Asp]GHGEVNIKHY